The following is an entry in ClinVar:

NM_000051.4(ATM):c.2429A>T (p.Lys810Met)

Gene: ATM (ATM serine/threonine kinase; plus strand). Cytogenetic location: 11q22.3.
Variant type: single nucleotide variant.
Coding change: c.2429A>T on transcript NM_000051.4 (MANE Select); coding-DNA position 2429, A replaced by T.
Protein change: p.Lys810Met; replaces lysine 810 with methionine.
Molecular consequence: missense variant.
Genome position (GRCh38, 1-based): chr11:108,259,038, A>T. VCF-style: chr11-108259038-A-T. GRCh37 (hg19) VCF-style: chr11-108129765-A-T.
Other names: c.2429A>T, p.Lys810Met (NM_001351834.2); short protein forms K810M.
Identifiers: ClinVar variation 962489 (VCV000962489.9), dbSNP rs2080698039, ClinGen allele CA382541282.

ClinVar aggregate classification (germline): Uncertain significance (1 of 4 stars; one submission).

Conditions:
Ataxia-telangiectasia syndrome (AT). Also called: AT, COMPLEMENTATION GROUP C; Ataxia telangiectasia (A-T); Cerebello-oculocutaneous telangiectasia; Immunodeficiency with ataxia telangiectasia; LOUIS-BAR SYNDROME; Ataxia-telangiectasia. Identifiers: Orphanet 100, MedGen C0004135, MONDO:0008840, OMIM 208900.

Submission:

Labcorp Genetics (formerly Invitae), Labcorp
Classification: Uncertain significance for Ataxia-telangiectasia syndrome. Last evaluated: 2020-03-31. Review status: criteria provided, single submitter. Criteria: Invitae Variant Classification Sherloc (09022015). Collection method: clinical testing. Allele origin: germline.
Comment: Algorithms developed to predict the effect of missense changes on protein structure and function are either unavailable or do not agree on the potential impact of this missense change (SIFT: "Deleterious"; PolyPhen-2: "Probably Damaging"; Align-GVGD: "Class C15"). In summary, the available evidence is currently insufficient to determine the role of this variant in disease. Therefore, it has been classified as a Variant of Uncertain Significance. This sequence change replaces lysine with methionine at codon 810 of the ATM protein (p.Lys810Met). The lysine residue is moderately conserved and there is a moderate physicochemical difference between lysine and methionine. This variant is not present in population databases (ExAC no frequency). This variant has not been reported in the literature in individuals with ATM-related conditions.